The following is an entry in ClinVar:

NM_000388.4(CASR):c.108dup (p.Leu37fs)

Gene: CASR (calcium sensing receptor; plus strand). Cytogenetic location: 3q21.1.
Variant type: Duplication.
Coding change: c.108dup on transcript NM_000388.4 (MANE Select); coding-DNA position 108, one base duplicated (G; older notation c.108dupG).
Protein change: p.Leu37fs; shifts the reading frame from leucine 37.
Molecular consequence: frameshift variant.
Genome position (GRCh38, 1-based): chr3:122,254,297, G duplicated; the last of 6 consecutive G bases (chr3:122,254,292-122,254,297); duplicating any one gives the same sequence. VCF-style (leftmost placement, unchanged base first): chr3-122254291-T-TG. GRCh37 (hg19) VCF-style: chr3-121973138-T-TG.
Other names: c.108dup, p.Leu37fs (NM_001178065.2); c.108dup (NM_000388.3); c.108dupG (NM_000388.4); short protein forms L37fs.
Identifiers: ClinVar variation 280657 (VCV000280657.13), dbSNP rs886041823, ClinGen allele CA10602870.
Genomic context (GRCh38, chr3:122,254,291, plus strand): 5'-CTGGCACACCTCTGCCTACGGGCCAGACCAGCGAGCCCAAAAGAAGGGGGACATTATCCT[T>TG]GGGGGGCTCTTTCCTATTCATTTTGGAGTAGCAGCTAAAGATCAAGATCTCAAATCAAGG-3'

ClinVar aggregate classification (germline): Pathogenic. Review status: criteria provided, multiple submitters, no conflicts (2 of 4 stars). 5 submissions from 5 submitters: Pathogenic (5). Last evaluated 2025-06-19.

Conditions:
Autosomal dominant hypocalcemia 1 (HYPOC1). Also called: HYPOCALCEMIA, FAMILIAL. Identifiers: MedGen C3715128, MONDO:0011013, OMIM 601198.
Familial hypocalciuric hypercalcemia (FHH). Also called: Familial benign hypercalcemia. Identifiers: Orphanet 405, MedGen C1809471, MONDO:0018458.
Nephrolithiasis/nephrocalcinosis. Identifiers: MedGen CN580796.
Familial hypocalciuric hypercalcemia 1. Also called: Hypercalcemia, familial benign type 1. Identifiers: Orphanet 405, Orphanet 93372, MedGen C0342637, MONDO:0007791, OMIM 145980.
Neonatal severe primary hyperparathyroidism. Identifiers: Orphanet 417, MedGen C1832615, MONDO:0009397, OMIM 239200.
Epilepsy, idiopathic generalized, susceptibility to, 8. Identifiers: MedGen C2752062, MONDO:0013032, OMIM 612899.

Submissions (5):

Labcorp Genetics (formerly Invitae), Labcorp
Classification: Pathogenic for Familial hypocalciuric hypercalcemia; Autosomal dominant hypocalcemia 1. Last evaluated: 2025-06-19. Review status: criteria provided, single submitter. Criteria: Invitae Variant Classification Sherloc (09022015). Collection method: clinical testing. Allele origin: germline.
Comment: This sequence change creates a premature translational stop signal (p.Leu37Alafs*11) in the CASR gene. It is expected to result in an absent or disrupted protein product. Loss-of-function variants in CASR are known to be pathogenic (PMID: 11807402, 14985373, 22422767). This variant is not present in population databases (gnomAD no frequency). This variant has not been reported in the literature in individuals affected with CASR-related conditions. Invitae Evidence Modeling of clinical and family history, age, sex, and reported ancestry of multiple individuals with this CASR variant has been performed. This variant is expected to be pathogenic with a positive predictive value of at least 99%. This is a validated machine learning model that incorporates the clinical features of 646,172 individuals referred to our laboratory for CASR testing. ClinVar contains an entry for this variant (Variation ID: 280657). For these reasons, this variant has been classified as Pathogenic.

Women's Health and Genetics/Laboratory Corporation of America, LabCorp
Classification: Pathogenic for Familial hypocalciuric hypercalcemia. Last evaluated: 2025-06-19. Review status: criteria provided, single submitter. Criteria: LabCorp Variant Classification Summary - May 2015. Collection method: clinical testing. Allele origin: germline.
Comment: Variant summary: CASR c.108dupG (p.Leu37AlafsX11) results in a premature termination codon, predicted to cause absence of the protein due to nonsense mediated decay, which is a commonly known mechanism for disease. The variant was absent in 251308 control chromosomes (gnomAD). To our knowledge, no occurrence of c.108dupG in individuals affected with Familial Hypocalciuric Hypercalcemia and no experimental evidence demonstrating its impact on protein function have been reported. ClinVar contains an entry for this variant (Variation ID: 280657). Based on the evidence outlined above, the variant was classified as pathogenic.

Fulgent Genetics
Classification: Pathogenic for Familial hypocalciuric hypercalcemia 1; Neonatal severe primary hyperparathyroidism; Autosomal dominant hypocalcemia 1; Epilepsy, idiopathic generalized, susceptibility to, 8. Last evaluated: 2024-01-23. Review status: criteria provided, single submitter. Criteria: ACMG Guidelines, 2015. Collection method: clinical testing. Allele origin: germline.

Ambry Genetics
Classification: Pathogenic for Nephrolithiasis/nephrocalcinosis. Last evaluated: 2022-03-23. Review status: criteria provided, single submitter. Criteria: Ambry Variant Classification Scheme 2023. Collection method: clinical testing. Allele origin: germline.
Comment: The c.108dupG variant, located in coding exon 1 of the CASR gene, results from a duplication of G at nucleotide position 108, causing a translational frameshift with a predicted alternate stop codon (p.L37Afs*11). This alteration has been observed in several individuals with hypercalcemia (Dershem R et al. Am J Hum Genet, 2020 06;106:734-747). This variant is considered to be rare based on population cohorts in the Genome Aggregation Database (gnomAD). In addition to the clinical data presented in the literature, this alteration is expected to result in loss of function by premature protein truncation or nonsense-mediated mRNA decay. As such, this alteration is interpreted as a disease-causing mutation.

GeneDx
Classification: Pathogenic. Last evaluated: 2016-06-21. Review status: criteria provided, single submitter. Criteria: GeneDx Variant Classification (06012015). Collection method: clinical testing. Allele origin: germline. Affected: yes.
Comment: The c.108dupG pathogenic variant in the CASR gene causes a frameshift starting with codon Leucine 37, changes this amino acid to an Alanine residue and creates a premature Stop codon at position 11 of the new reading frame, denoted p.Leu37AlafsX11. This pathogenic variant is predicted to cause loss of normal protein function either through protein truncation or nonsense-mediated mRNA decay. The variant was not observed in approximately 6,500 individuals of European and African American ancestry in the NHLBI Exome Sequencing Project, indicating it is not a common benign variant in these populations.

Literature cited by the submitters: PubMed 11807402 (cited by Labcorp Genetics (formerly Invitae), Labcorp); PubMed 14985373 (cited by Labcorp Genetics (formerly Invitae), Labcorp); PubMed 22422767 (cited by Labcorp Genetics (formerly Invitae), Labcorp); PubMed 32386559 (cited by Ambry Genetics).